The following is an entry in ClinVar:

ClinVar aggregate classification (germline): Uncertain significance (1 of 4 stars; one submission).

Submission:

Labcorp Genetics (formerly Invitae), Labcorp
Classification: Uncertain significance. Last evaluated: 2025-05-19. Review status: criteria provided, single submitter. Criteria: Invitae Variant Classification Sherloc (09022015). Collection method: clinical testing. Allele origin: germline.
Comment: This sequence change replaces leucine, which is neutral and non-polar, with proline, which is neutral and non-polar, at codon 364 of the ALAS2 protein (p.Leu364Pro). This variant is not present in population databases (gnomAD no frequency). This variant has not been reported in the literature in individuals affected with ALAS2-related conditions. Invitae Evidence Modeling of protein sequence and biophysical properties (such as structural, functional, and spatial information, amino acid conservation, physicochemical variation, residue mobility, and thermodynamic stability) indicates that this missense variant is expected to disrupt ALAS2 protein function with a positive predictive value of 95%. In summary, the available evidence is currently insufficient to determine the role of this variant in disease. Therefore, it has been classified as a Variant of Uncertain Significance.

NM_000032.5(ALAS2):c.1091T>C (p.Leu364Pro)

Gene: ALAS2 (5'-aminolevulinate synthase 2; minus strand). Cytogenetic location: Xp11.21.
Variant type: single nucleotide variant.
Coding change: c.1091T>C on transcript NM_000032.5 (MANE Select); coding-DNA position 1091, T replaced by C.
Protein change: p.Leu364Pro; replaces leucine 364 with proline.
Molecular consequence: missense variant.
Genome position (GRCh38, 1-based): chrX:55,015,655, A>G on the plus strand (T>C on the coding strand, the complement: ALAS2 is on the minus strand). VCF-style: chrX-55015655-A-G. GRCh37 (hg19) VCF-style: chrX-55042088-A-G.
Other names: c.980T>C, p.Leu327Pro (NM_001037967.4); c.1052T>C, p.Leu351Pro (NM_001037968.4); short protein forms L327P, L351P, L364P.
Identifiers: ClinVar variation 4801055 (VCV004801055.1).